The following is an entry in ClinVar:

ClinVar aggregate classification (germline): Uncertain significance (1 of 4 stars; one submission).

Conditions:
Hereditary cancer-predisposing syndrome. Also called: Hereditary Cancer Syndrome; Neoplastic Syndromes, Hereditary; Tumor predisposition; Hereditary neoplastic syndrome. Identifiers: Orphanet 140162, MedGen C0027672, MeSH D009386, MONDO:0015356.

Submission:

Ambry Genetics
Classification: Uncertain significance for Hereditary cancer-predisposing syndrome. Last evaluated: 2016-08-09. Review status: criteria provided, single submitter. Criteria: Ambry Variant Classification Scheme 2023. Collection method: clinical testing. Allele origin: germline.
Comment: The p.G109V variant (also known as c.326G>T), located in coding exon 5 of the BAP1 gene, results from a G to T substitution at nucleotide position 326. The glycine at codon 109 is replaced by valine, an amino acid with dissimilar properties. This variant was not reported in population based cohorts in the following databases: Database of Single Nucleotide Polymorphisms (dbSNP), NHLBI Exome Sequencing Project (ESP), and 1000 Genomes Project. In the ESP, this variant was not observed in 6503 samples (13006 alleles) with coverage at this position. To date, this alteration has been detected with an allele frequency of approximately 0.006% (greater than 15000 alleles tested) in our clinical cohort. This amino acid position is highly conserved in available vertebrate species. In addition, this alteration is predicted to be deleterious by in silico analysis. Since supporting evidence is limited at this time, the clinical significance of this alteration remains unclear.

NM_004656.4(BAP1):c.326G>T (p.Gly109Val)

Gene: BAP1 (BRCA1 associated deubiquitinase 1; minus strand). Cytogenetic location: 3p21.1.
Variant type: single nucleotide variant.
Coding change: c.326G>T on transcript NM_004656.4 (MANE Select); coding-DNA position 326, G replaced by T.
Protein change: p.Gly109Val; replaces glycine 109 with valine.
Molecular consequence: missense variant.
Genome position (GRCh38, 1-based): chr3:52,408,007, C>A on the plus strand (G>T on the coding strand, the complement: BAP1 is on the minus strand). VCF-style: chr3-52408007-C-A. GRCh37 (hg19) VCF-style: chr3-52442023-C-A.
Other names: c.326G>T (LRG_529t1); short protein forms G109V.
Identifiers: ClinVar variation 480840 (VCV000480840.5), dbSNP rs1553645939, ClinGen allele CA353112144.